The following is an entry in ClinVar:

NM_001002295.2(GATA3):c.1024T>G (p.Cys342Gly)

Gene: GATA3 (GATA binding protein 3; plus strand). Cytogenetic location: 10p14.
Variant type: single nucleotide variant.
Coding change: c.1024T>G on transcript NM_001002295.2 (MANE Select); coding-DNA position 1024, T replaced by G.
Protein change: p.Cys342Gly; replaces cysteine 342 with glycine.
Molecular consequence: missense variant.
Genome position (GRCh38, 1-based): chr10:8,069,572, T>G. VCF-style: chr10-8069572-T-G. GRCh37 (hg19) VCF-style: chr10-8111535-T-G.
Other names: c.1021T>G, p.Cys341Gly (NM_002051.3); short protein forms C341G, C342G.
Identifiers: ClinVar variation 1485233 (VCV001485233.8), dbSNP rs2131512230, ClinGen allele CA375975136.
Genomic context (GRCh38, chr10:8,069,572, plus strand): 5'-CAGACCACCACAACCACACTCTGGAGGAGGAATGCCAATGGGGACCCTGTCTGCAATGCC[T>G]GTGGGCTCTACTACAAGCTTCACAATGTAAGTGGACTGGGATCAGCAAGAACAGGGCTCG-3'
Protein context (NP_001002295.1, residues 332-352): NANGDPVCNA[Cys342Gly]GLYYKLHNIN

ClinVar aggregate classification (germline): Uncertain significance (1 of 4 stars; one submission).

Submission:

Labcorp Genetics (formerly Invitae), Labcorp
Classification: Uncertain significance. Last evaluated: 2021-07-14. Review status: criteria provided, single submitter. Criteria: Invitae Variant Classification Sherloc (09022015). Collection method: clinical testing. Allele origin: germline.
Comment: This sequence change replaces cysteine with glycine at codon 342 of the GATA3 protein (p.Cys342Gly). The cysteine residue is highly conserved and there is a large physicochemical difference between cysteine and glycine. This variant is not present in population databases (ExAC no frequency). This variant has not been reported in the literature in individuals affected with GATA3-related conditions. Algorithms developed to predict the effect of missense changes on protein structure and function (SIFT, PolyPhen-2, Align-GVGD) all suggest that this variant is likely to be disruptive. In summary, the available evidence is currently insufficient to determine the role of this variant in disease. Therefore, it has been classified as a Variant of Uncertain Significance.